The following is an entry in ClinVar:

ClinVar aggregate classification (germline): Uncertain significance (1 of 4 stars; one submission).

Conditions:
Inborn genetic diseases. Identifiers: MedGen C0950123, MeSH D030342.

Submission:

Ambry Genetics
Classification: Uncertain significance for Inborn genetic diseases. Last evaluated: 2021-11-05. Review status: criteria provided, single submitter. Criteria: Ambry Variant Classification Scheme 2023. Collection method: clinical testing. Allele origin: germline.
Comment: The c.8428_8429delGAinsTT variant (also known as p.D810F), located in coding exon 54 of the DST gene, results from an in-frame deletion of GA and insertion of TT at nucleotide positions 8428 to 8429. This results in the substitution of the aspartic acid residue for a phenylalanine residue at codon 2810, an amino acid with highly dissimilar properties. This amino acid position is not well conserved in available vertebrate species. Since supporting evidence is limited at this time, the clinical significance of this alteration remains unclear.

NM_001374736.1(DST):c.14785_14786delinsTT (p.Asp4929Phe)

Gene: DST (dystonin; minus strand). Cytogenetic location: 6p12.1.
Variant type: Indel.
Coding change: c.14785_14786delinsTT on transcript NM_001374736.1 (MANE Select); coding-DNA positions 14785 to 14786, GA replaced by TT.
Protein change: p.Asp4929Phe; replaces aspartic acid 4929 with phenylalanine.
Molecular consequence: missense variant.
Genome position (GRCh38, 1-based): chr6:56,555,695-56,555,696, TC replaced by AA on the plus strand (GA replaced by TT on the coding strand, the reverse complement: DST is on the minus strand). VCF-style: chr6-56555695-TC-AA. GRCh37 (hg19) VCF-style: chr6-56420493-TC-AA.
Other names: c.8428_8429delinsTT, p.Asp2810Phe (NM_001144769.5); c.8014_8015delinsTT, p.Asp2672Phe (NM_001144770.2); c.14785_14786delinsTT, p.Asp4929Phe (NM_001374722.1); c.14152_14153delinsTT, p.Asp4718Phe (NM_001374729.1); c.7894_7895delinsTT, p.Asp2632Phe (NM_001374730.1, NM_001386100.1, NM_183380.4); c.14812_14813delinsTT, p.Asp4938Phe (NM_001374734.1); c.6916_6917delinsTT, p.Asp2306Phe (NM_015548.5); short protein forms D2632F, D2810F, D4718F, D4938F, D2306F, D2672F, D4929F.
Identifiers: ClinVar variation 1763334 (VCV001763334.2), dbSNP rs2535390652, ClinGen allele CA2580075576.